The following is an entry in ClinVar:

ClinVar aggregate classification (germline): Uncertain significance (0 of 4 stars; one submission).

Conditions:
NDP-related disorder. Also called: NDP-related condition.

Submission:

PreventionGenetics, part of Exact Sciences
Classification: Uncertain significance for NDP-related condition. Last evaluated: 2024-06-11. Review status: no assertion criteria provided. Collection method: clinical testing. Allele origin: germline.
Comment: The NDP c.79G>T variant is predicted to result in the amino acid substitution p.Asp27Tyr. To our knowledge, this variant has not been reported in the literature or in a large population database, indicating this variant is rare. At this time, the clinical significance of this variant is uncertain due to the absence of conclusive functional and genetic evidence.

NM_000266.4(NDP):c.79G>T (p.Asp27Tyr)

Genes: NDP (norrin cystine knot growth factor NDP; minus strand), NDP-AS1 (NDP antisense RNA 1; plus strand). Cytogenetic location: Xp11.3.
Variant type: single nucleotide variant.
Coding change: c.79G>T on transcript NM_000266.4 (MANE Select); coding-DNA position 79, G replaced by T.
Protein change: p.Asp27Tyr; replaces aspartic acid 27 with tyrosine.
Molecular consequence: missense variant.
Genome position (GRCh38, 1-based): chrX:43,958,567, C>A on the plus strand (G>T on the coding strand, the complement: NDP is on the minus strand). VCF-style: chrX-43958567-C-A. GRCh37 (hg19) VCF-style: chrX-43817813-C-A.
Other names: short protein forms D27Y.
Identifiers: ClinVar variation 3345827 (VCV003345827.1).